The following is an entry in ClinVar:

ClinVar aggregate classification (germline): Uncertain significance. Review status: criteria provided, multiple submitters, no conflicts (2 of 4 stars). 4 submissions from 4 submitters: Uncertain significance (4). Last evaluated 2025-04-23.

Conditions:
Inborn genetic diseases. Identifiers: MedGen C0950123, MeSH D030342.
Focal segmental glomerulosclerosis 5 (FSGS5). Identifiers: Orphanet 656, MedGen C2750475, MONDO:0013191, OMIM 613237.
Charcot-Marie-Tooth disease dominant intermediate E. Also called: CHARCOT-MARIE-TOOTH NEUROPATHY WITH FOCAL SEGMENTAL GLOMERULONEPHRITIS. Identifiers: Orphanet 93114, MedGen C4302667, MONDO:0013758, OMIM 614455.

Allele frequency attached by ClinVar (database versions not stated): TOPMed 0.00002; gnomAD exomes 0.00005.
gnomAD v4.1: 65 of 1,550,644 alleles (0.0042%); highest among the groups gnomAD compares: Non-Finnish European, 0.0057%; no homozygotes.

Submissions (4):

Labcorp Genetics (formerly Invitae), Labcorp
Classification: Uncertain significance for Charcot-Marie-Tooth disease dominant intermediate E; Focal segmental glomerulosclerosis 5. Last evaluated: 2025-04-23. Review status: criteria provided, single submitter. Criteria: Invitae Variant Classification Sherloc (09022015). Collection method: clinical testing. Allele origin: germline.
Comment: This sequence change replaces proline, which is neutral and non-polar, with serine, which is neutral and polar, at codon 959 of the INF2 protein (p.Pro959Ser). This variant is not present in population databases (gnomAD no frequency). This variant has not been reported in the literature in individuals affected with INF2-related conditions. ClinVar contains an entry for this variant (Variation ID: 439828). Invitae Evidence Modeling of protein sequence and biophysical properties (such as structural, functional, and spatial information, amino acid conservation, physicochemical variation, residue mobility, and thermodynamic stability) indicates that this missense variant is not expected to disrupt INF2 protein function with a negative predictive value of 95%. In summary, the available evidence is currently insufficient to determine the role of this variant in disease. Therefore, it has been classified as a Variant of Uncertain Significance.

GeneDx
Classification: Uncertain significance. Last evaluated: 2025-01-07. Review status: criteria provided, single submitter. Criteria: GeneDx Variant Classification Process June 2021. Collection method: clinical testing. Allele origin: germline. Affected: yes.
Comment: In silico analysis supports that this missense variant has a deleterious effect on protein structure/function; Has not been previously published as pathogenic or benign to our knowledge

Ambry Genetics
Classification: Uncertain significance for Inborn genetic diseases. Last evaluated: 2024-03-01. Review status: criteria provided, single submitter. Criteria: Ambry Variant Classification Scheme 2023. Collection method: clinical testing. Allele origin: germline.

ARUP Laboratories, Molecular Genetics and Genomics, ARUP Laboratories
Classification: Uncertain significance. Last evaluated: 2016-12-21. Review status: criteria provided, single submitter. Criteria: ARUP Molecular Germline Variant Investigation Process. Collection method: clinical testing. Allele origin: germline.

NM_022489.4(INF2):c.2875C>T (p.Pro959Ser)

Gene: INF2 (inverted formin 2; plus strand). Cytogenetic location: 14q32.33.
Variant type: single nucleotide variant.
Coding change: c.2875C>T on transcript NM_022489.4 (MANE Select); coding-DNA position 2875, C replaced by T.
Protein change: p.Pro959Ser; replaces proline 959 with serine.
Molecular consequence: missense variant.
Genome position (GRCh38, 1-based): chr14:104,713,306, C>T. VCF-style: chr14-104713306-C-T. GRCh37 (hg19) VCF-style: chr14-105179643-C-T.
Other names: c.2875C>T, p.Pro959Ser (NM_001031714.4); short protein forms P959S.
Identifiers: ClinVar variation 439828 (VCV000439828.20), dbSNP rs369417066, ClinGen allele CA267330086.